The following is an entry in ClinVar:

NM_000038.6(APC):c.422+974A>C

Gene: APC (APC regulator of WNT signaling pathway; plus strand). Cytogenetic location: 5q22.2.
Variant type: single nucleotide variant.
Coding change: c.422+974A>C on transcript NM_000038.6 (MANE Select); 974 bases into the intron after coding-DNA position 422, A replaced by C.
Molecular consequence: intron variant.
Genome position (GRCh38, 1-based): chr5:112,768,364, A>C. VCF-style: chr5-112768364-A-C. GRCh37 (hg19) VCF-style: chr5-112104061-A-C.
Other names: c.422+974A>C (NM_001354895.2, NM_001127510.3, NM_001354896.2 and 2 more transcripts); c.452+974A>C (NM_001354897.2, NM_001354902.2, NM_001127511.3); c.347+974A>C (NM_001354898.2, NM_001354904.2); c.-614+974A>C (NM_001354906.2); c.245+974A>C (NM_001354900.2, NM_001354901.2, NM_001354905.2).
Identifiers: ClinVar variation 82404 (VCV000082404.2), dbSNP rs78035234, ClinGen allele CA009134.

ClinVar aggregate classification (germline): other (0 of 4 stars; one submission).

Conditions:
Familial colorectal cancer. Identifiers: MedGen CN280943, MONDO:0023113. Disease mechanism: loss of function.

Submission:

Systems Biology Platform Zhejiang California International NanoSystems Institute
Classification: other for Familial colorectal cancer. Review status: no assertion criteria provided. Collection method: not provided. Allele origin: unknown.
ClinVar note: Converted during submission from cancer to other.